The following is an entry in ClinVar:

ClinVar aggregate classification (germline): Likely benign (1 of 4 stars; one submission).

Submission:

GeneDx
Classification: Likely benign. Last evaluated: 2017-12-06. Review status: criteria provided, single submitter. Criteria: GeneDx Variant Classification (06012015). Collection method: clinical testing. Allele origin: germline. Affected: yes.
Comment: This variant is considered likely benign or benign based on one or more of the following criteria: it is a conservative change, it occurs at a poorly conserved position in the protein, it is predicted to be benign by multiple in silico algorithms, and/or has population frequency not consistent with disease.

NM_053025.4(MYLK):c.4296G>A (p.Lys1432=)

Gene: MYLK (myosin light chain kinase; minus strand). Cytogenetic location: 3q21.1.
Variant type: single nucleotide variant.
Coding change: c.4296G>A on transcript NM_053025.4 (MANE Select); coding-DNA position 4296, G replaced by A.
Protein change: p.Lys1432=; no amino-acid change (lysine 1432 retained).
Molecular consequence: synonymous variant.
Genome position (GRCh38, 1-based): chr3:123,649,187, C>T on the plus strand (G>A on the coding strand, the complement: MYLK is on the minus strand). VCF-style: chr3-123649187-C-T. GRCh37 (hg19) VCF-style: chr3-123368034-C-T.
Other names: c.3768G>A, p.Lys1256= (NM_001321309.2); c.4089G>A, p.Lys1363= (NM_053026.4, NM_053028.4); c.4296G>A, p.Lys1432= (NM_053027.4).
Identifiers: ClinVar variation 513912 (VCV000513912.1), dbSNP rs1553781493, ClinGen allele CA435299423.